The following is an entry in ClinVar:

NM_004329.3(BMPR1A):c.1354G>T (p.Glu452Ter)

Gene: BMPR1A (bone morphogenetic protein receptor type 1A; plus strand). Cytogenetic location: 10q23.2.
Variant type: single nucleotide variant.
Coding change: c.1354G>T on transcript NM_004329.3 (MANE Select); coding-DNA position 1354, G replaced by T.
Protein change: p.Glu452Ter; replaces glutamic acid 452 with a stop codon.
Molecular consequence: nonsense.
Genome position (GRCh38, 1-based): chr10:86,923,387, G>T. VCF-style: chr10-86923387-G-T. GRCh37 (hg19) VCF-style: chr10-88683144-G-T.
Other names: c.1354G>T, p.Glu452Ter (NM_001406574.1, NM_001406575.1, NM_001406576.1 and 19 more transcripts); c.1348G>T, p.Glu450Ter (NM_001406583.1); c.1429G>T, p.Glu477Ter (NM_001406559.1); c.1402G>T, p.Glu468Ter (NM_001406560.1); c.1270G>T, p.Glu424Ter (NM_001406584.1, NM_001406585.1, NM_001406586.1 and 2 more transcripts); c.1012G>T, p.Glu338Ter (NM_001406589.1); short protein forms E468*, E338*, E450*, E452*, E477*, E424*.
Identifiers: ClinVar variation 1770673 (VCV001770673.5), dbSNP rs2133619953, ClinGen allele CA377462653.

ClinVar aggregate classification (germline): Pathogenic. Review status: criteria provided, multiple submitters, no conflicts (2 of 4 stars). 2 submissions from 2 submitters: Pathogenic (2). Last evaluated 2023-04-12.

Conditions:
Juvenile polyposis syndrome (JPS). Identifiers: Orphanet 2929, MedGen C0345893, MONDO:0017380, OMIM 174900.
Hereditary cancer-predisposing syndrome. Also called: Tumor predisposition; Neoplastic Syndromes, Hereditary; Hereditary Cancer Syndrome; Hereditary neoplastic syndrome. Identifiers: Orphanet 140162, MedGen C0027672, MeSH D009386, MONDO:0015356.

Submissions (2):

Labcorp Genetics (formerly Invitae), Labcorp
Classification: Pathogenic for Juvenile polyposis syndrome. Last evaluated: 2023-04-12. Review status: criteria provided, single submitter. Criteria: Invitae Variant Classification Sherloc (09022015). Collection method: clinical testing. Allele origin: germline.
Comment: This variant is not present in population databases (gnomAD no frequency). This sequence change creates a premature translational stop signal (p.Glu452*) in the BMPR1A gene. It is expected to result in an absent or disrupted protein product. Loss-of-function variants in BMPR1A are known to be pathogenic (PMID: 11536076, 12417513). This variant has not been reported in the literature in individuals affected with BMPR1A-related conditions. For these reasons, this variant has been classified as Pathogenic. ClinVar contains an entry for this variant (Variation ID: 1770673).

Ambry Genetics
Classification: Pathogenic for Hereditary cancer-predisposing syndrome. Last evaluated: 2017-11-06. Review status: criteria provided, single submitter. Criteria: Ambry Variant Classification Scheme 2023. Collection method: clinical testing. Allele origin: germline.
Comment: The p.E452* variant (also known as c.1354G>T), located in coding exon 10 of the BMPR1A gene, results from a G to T substitution at nucleotide position 1354. This changes the amino acid from a glutamic acid to a stop codon within coding exon 10. This alteration is expected to result in loss of function by premature protein truncation or nonsense-mediated mRNA decay. As such, this alteration is interpreted as a disease-causing mutation.

Literature cited by the submitters: PubMed 11536076 (cited by Labcorp Genetics (formerly Invitae), Labcorp); PubMed 12417513 (cited by Labcorp Genetics (formerly Invitae), Labcorp).